The following is an entry in ClinVar:

NM_024312.5(GNPTAB):c.2359A>T (p.Arg787Trp)

Gene: GNPTAB (N-acetylglucosamine-1-phosphate transferase subunits alpha and beta; minus strand). Cytogenetic location: 12q23.2.
Variant type: single nucleotide variant.
Coding change: c.2359A>T on transcript NM_024312.5 (MANE Select); coding-DNA position 2359, A replaced by T.
Protein change: p.Arg787Trp; replaces arginine 787 with tryptophan.
Molecular consequence: missense variant.
Genome position (GRCh38, 1-based): chr12:101,764,558, T>A on the plus strand (A>T on the coding strand, the complement: GNPTAB is on the minus strand). VCF-style: chr12-101764558-T-A. GRCh37 (hg19) VCF-style: chr12-102158336-T-A.
Other names: short protein forms R787W.
Identifiers: ClinVar variation 2158955 (VCV002158955.3), dbSNP rs200559243, ClinGen allele CA6746443.

ClinVar aggregate classification (germline): Uncertain significance (1 of 4 stars; one submission).

Conditions:
Mucolipidosis type II. Also called: Mucolipidosis 2; ML 2; Inclusion cell disease; Leroy Disease; N-acetylglucosamine 1phosphotransferase deficiency; ML disorder type 2. Identifiers: Orphanet 576, MedGen C2673377, MONDO:0009650, OMIM 252500.
Pseudo-Hurler polydystrophy. Also called: ML IIIA; Mucolipidosis III Alpha/Beta; MUCOLIPIDOSIS IIIA; ML III; ML III ALPHA/BETA; Type III Mucolipidosis. Identifiers: Orphanet 423461, Orphanet 577, MedGen C0033788, MONDO:0018931, OMIM 252600.

Allele frequency attached by ClinVar (database versions not stated): ExAC 0.00005; gnomAD 0.00001; 1000 Genomes Project 0.00020; 1000 Genomes Project 30x 0.00031.
gnomAD v4.1: 19 of 1,613,412 alleles (0.0012%); highest among the groups gnomAD compares: Admixed American, 0.032%; no homozygotes.

Submission:

Labcorp Genetics (formerly Invitae), Labcorp
Classification: Uncertain significance for Pseudo-Hurler polydystrophy; Mucolipidosis type II. Last evaluated: 2025-01-22. Review status: criteria provided, single submitter. Criteria: Invitae Variant Classification Sherloc (09022015). Collection method: clinical testing. Allele origin: germline.
Comment: This sequence change replaces arginine, which is basic and polar, with tryptophan, which is neutral and slightly polar, at codon 787 of the GNPTAB protein (p.Arg787Trp). This variant is present in population databases (rs200559243, gnomAD 0.05%). This variant has not been reported in the literature in individuals affected with GNPTAB-related conditions. ClinVar contains an entry for this variant (Variation ID: 2158955). Invitae Evidence Modeling of protein sequence and biophysical properties (such as structural, functional, and spatial information, amino acid conservation, physicochemical variation, residue mobility, and thermodynamic stability) indicates that this missense variant is not expected to disrupt GNPTAB protein function with a negative predictive value of 80%. In summary, the available evidence is currently insufficient to determine the role of this variant in disease. Therefore, it has been classified as a Variant of Uncertain Significance.